The following is an entry in ClinVar:

NM_001364905.1(LRBA):c.717G>T (p.Met239Ile)

Gene: LRBA (LPS responsive beige-like anchor protein; minus strand). Cytogenetic location: 4q31.3.
Variant type: single nucleotide variant.
Coding change: c.717G>T on transcript NM_001364905.1 (MANE Select); coding-DNA position 717, G replaced by T.
Protein change: p.Met239Ile; replaces methionine 239 with isoleucine.
Molecular consequence: missense variant.
Genome position (GRCh38, 1-based): chr4:150,916,667, C>A on the plus strand (G>T on the coding strand, the complement: LRBA is on the minus strand). VCF-style: chr4-150916667-C-A. GRCh37 (hg19) VCF-style: chr4-151837819-C-A.
Other names: c.717G>T, p.Met239Ile (NM_001199282.3, NM_001367550.1, NM_006726.5); short protein forms M239I.
Identifiers: ClinVar variation 1060482 (VCV001060482.7), dbSNP rs751596141, ClinGen allele CA3103785.

ClinVar aggregate classification (germline): Uncertain significance (1 of 4 stars; one submission).

Conditions:
Combined immunodeficiency due to LRBA deficiency. Also called: Common variable immunodeficiency 8, with autoimmunity. Identifiers: Orphanet 445018, MedGen C3553512, MONDO:0013863, OMIM 614700.

Allele frequency attached by ClinVar (database versions not stated): TOPMed below 0.00001; ExAC 0.00001; gnomAD exomes below 0.00001; gnomAD 0.00001.
gnomAD v4.1: 6 of 1,599,422 alleles (0.00038%); highest among the groups gnomAD compares: Middle Eastern, 0.017%; no homozygotes.

Submission:

Labcorp Genetics (formerly Invitae), Labcorp
Classification: Uncertain significance for Combined immunodeficiency due to LRBA deficiency. Last evaluated: 2022-05-29. Review status: criteria provided, single submitter. Criteria: Invitae Variant Classification Sherloc (09022015). Collection method: clinical testing. Allele origin: germline.
Comment: Algorithms developed to predict the effect of missense changes on protein structure and function (SIFT, PolyPhen-2, Align-GVGD) all suggest that this variant is likely to be tolerated. In summary, the available evidence is currently insufficient to determine the role of this variant in disease. Therefore, it has been classified as a Variant of Uncertain Significance. Algorithms developed to predict the effect of sequence changes on RNA splicing suggest that this variant may disrupt the consensus splice site. ClinVar contains an entry for this variant (Variation ID: 1060482). This variant has not been reported in the literature in individuals affected with LRBA-related conditions. The frequency data for this variant in the population databases is considered unreliable, as metrics indicate poor data quality at this position in the gnomAD database. This sequence change replaces methionine, which is neutral and non-polar, with isoleucine, which is neutral and non-polar, at codon 239 of the LRBA protein (p.Met239Ile).